The following is an entry in ClinVar:

NM_000245.4(MET):c.3525T>A (p.Asn1175Lys)

Gene: MET (MET proto-oncogene, receptor tyrosine kinase; plus strand). Cytogenetic location: 7q31.2.
Variant type: single nucleotide variant.
Coding change: c.3525T>A on transcript NM_000245.4 (MANE Select); coding-DNA position 3525, T replaced by A.
Protein change: p.Asn1175Lys; replaces asparagine 1175 with lysine.
Molecular consequence: missense variant.
Genome position (GRCh38, 1-based): chr7:116,781,990, T>A. VCF-style: chr7-116781990-T-A. GRCh37 (hg19) VCF-style: chr7-116422044-T-A.
Other names: c.3579T>A, p.Asn1193Lys (NM_001127500.3); c.2235T>A, p.Asn745Lys (NM_001324402.2); short protein forms N1175K, N1193K, N745K.
Identifiers: ClinVar variation 3645900 (VCV003645900.2).

ClinVar aggregate classification (germline): Uncertain significance (1 of 4 stars; one submission).

Conditions:
Renal cell carcinoma. Identifiers: Orphanet 217071, MedGen C0007134, MeSH D002292, MONDO:0005086, HP:0005584.

Submission:

Labcorp Genetics (formerly Invitae), Labcorp
Classification: Uncertain significance for Renal cell carcinoma. Last evaluated: 2024-03-14. Review status: criteria provided, single submitter. Criteria: Invitae Variant Classification Sherloc (09022015). Collection method: clinical testing. Allele origin: germline.
Comment: This sequence change replaces asparagine, which is neutral and polar, with lysine, which is basic and polar, at codon 1193 of the MET protein (p.Asn1193Lys). This variant is not present in population databases (gnomAD no frequency). This variant has not been reported in the literature in individuals affected with MET-related conditions. An algorithm developed to predict the effect of missense changes on protein structure and function (PolyPhen-2) suggests that this variant is likely to be disruptive. In summary, the available evidence is currently insufficient to determine the role of this variant in disease. Therefore, it has been classified as a Variant of Uncertain Significance.